The following is an entry in ClinVar:

ClinVar aggregate classification (germline): Uncertain significance. Review status: criteria provided, single submitter (1 of 4 stars). 2 submissions from 2 submitters: Uncertain significance (1). 1 of the submissions does not count toward it. Last evaluated 2022-07-19.

Conditions:
MHC class II deficiency. Also called: BLS, TYPE II; Bare lymphocyte syndrome 2. Identifiers: Orphanet 572, MedGen C5447452, MONDO:0008855.

Allele frequency attached by ClinVar (database versions not stated): gnomAD 0.00004; gnomAD exomes 0.00004; ExAC 0.00005; TOPMed 0.00005; 1000 Genomes Project 30x 0.00016; 1000 Genomes Project 0.00020.

Submissions (2):

Labcorp Genetics (formerly Invitae), Labcorp
Classification: Uncertain significance for MHC class II deficiency. Last evaluated: 2022-07-19. Review status: criteria provided, single submitter. Criteria: Invitae Variant Classification Sherloc (09022015). Collection method: clinical testing. Allele origin: germline.
Comment: This sequence change replaces alanine, which is neutral and non-polar, with valine, which is neutral and non-polar, at codon 520 of the CIITA protein (p.Ala520Val). This variant is present in population databases (rs561841137, gnomAD 0.009%). This variant has not been reported in the literature in individuals affected with CIITA-related conditions. ClinVar contains an entry for this variant (Variation ID: 528782). Algorithms developed to predict the effect of missense changes on protein structure and function (SIFT, PolyPhen-2, Align-GVGD) all suggest that this variant is likely to be tolerated. In summary, the available evidence is currently insufficient to determine the role of this variant in disease. Therefore, it has been classified as a Variant of Uncertain Significance.

Natera, Inc.
Classification: Uncertain significance for Bare lymphocyte syndrome type II. Last evaluated: 2019-10-28. Review status: no assertion criteria provided. Collection method: clinical testing. Allele origin: germline. Not counted in ClinVar's aggregate classification.

NM_000246.4(CIITA):c.1559C>T (p.Ala520Val)

Gene: CIITA (class II major histocompatibility complex transactivator; plus strand). Cytogenetic location: 16p13.13.
Variant type: single nucleotide variant.
Coding change: c.1559C>T on transcript NM_000246.4 (MANE Select); coding-DNA position 1559, C replaced by T.
Protein change: p.Ala520Val; replaces alanine 520 with valine.
Molecular consequence: missense variant. On other transcripts: intron variant (1).
Genome position (GRCh38, 1-based): chr16:10,907,051, C>T. VCF-style: chr16-10907051-C-T. GRCh37 (hg19) VCF-style: chr16-11000908-C-T.
Other names: c.1562C>T, p.Ala521Val (NM_001286402.1, NM_001379332.1); c.1415C>T, p.Ala472Val (NM_001379330.1); c.1412C>T, p.Ala471Val (NM_001379331.1); c.1559C>T, p.Ala520Val (NM_001379333.1); c.1490C>T, p.Ala497Val (NM_001379334.1); c.860-1932C>T (NM_001286403.2); short protein forms A520V, A521V, A471V, A472V, A497V.
Identifiers: ClinVar variation 528782 (VCV000528782.8), dbSNP rs561841137, ClinGen allele CA7900169.